The following is an entry in ClinVar:

ClinVar aggregate classification (germline): Uncertain significance. Review status: criteria provided, multiple submitters, no conflicts (2 of 4 stars). 3 submissions from 3 submitters: Uncertain significance (3). Last evaluated 2026-03-16.

Allele frequency attached by ClinVar (database versions not stated): gnomAD exomes 0.00017 and 0.00006; ExAC 0.00006; TOPMed 0.00006; gnomAD 0.00009 and 0.00011.
gnomAD v4.1: 260 of 1,613,108 alleles (0.016%); highest among the groups gnomAD compares: Non-Finnish European, 0.021%; no homozygotes.

Submissions (3):

Women's Health and Genetics/Laboratory Corporation of America, LabCorp
Classification: Uncertain significance. Last evaluated: 2026-03-16. Review status: criteria provided, single submitter. Criteria: LabCorp Variant Classification Summary - May 2015. Collection method: clinical testing. Allele origin: germline.
Comment: Variant summary: AEBP1 c.3118G>A (p.Ala1040Thr) results in a non-conservative amino acid change in the encoded protein sequence. Algorithms developed to predict the effect of missense changes on protein structure and function are either unavailable or do not agree on the potential impact of this missense change. The variant allele was found at a frequency of 6e-05 in 248948 control chromosomes. This frequency is not significantly higher than estimated for disease-causing variants in AEBP1, allowing no conclusion about variant significance. To our knowledge, no occurrence of c.3118G>A in individuals affected with AEBP1-related conditions and no experimental evidence demonstrating its impact on protein function have been reported. ClinVar contains an entry for this variant (Variation ID: 1693332). Based on the evidence outlined above, the variant was classified as uncertain significance.

GeneDx
Classification: Uncertain significance. Last evaluated: 2025-09-24. Review status: criteria provided, single submitter. Criteria: GeneDx Variant Classification Process June 2021. Collection method: clinical testing. Allele origin: germline. Affected: yes.
Comment: Has not been previously published as pathogenic or benign to our knowledge; In silico analysis suggests that this missense variant does not alter protein structure/function; Not observed at significant frequency in large population cohorts (gnomAD)

Labcorp Genetics (formerly Invitae), Labcorp
Classification: Uncertain significance. Last evaluated: 2022-04-13. Review status: criteria provided, single submitter. Criteria: Invitae Variant Classification Sherloc (09022015). Collection method: clinical testing. Allele origin: germline.
Comment: This sequence change replaces alanine, which is neutral and non-polar, with threonine, which is neutral and polar, at codon 1040 of the AEBP1 protein (p.Ala1040Thr). This variant is present in population databases (rs771161753, gnomAD 0.01%). This variant has not been reported in the literature in individuals affected with AEBP1-related conditions. Algorithms developed to predict the effect of missense changes on protein structure and function output the following: SIFT: "Tolerated"; PolyPhen-2: "Benign"; Align-GVGD: "Class C0". The threonine amino acid residue is found in multiple mammalian species, which suggests that this missense change does not adversely affect protein function. In summary, the available evidence is currently insufficient to determine the role of this variant in disease. Therefore, it has been classified as a Variant of Uncertain Significance.

NM_001129.5(AEBP1):c.3118G>A (p.Ala1040Thr)

Gene: AEBP1 (AE binding protein 1; plus strand). Cytogenetic location: 7p13.
Variant type: single nucleotide variant.
Coding change: c.3118G>A on transcript NM_001129.5 (MANE Select); coding-DNA position 3118, G replaced by A.
Protein change: p.Ala1040Thr; replaces alanine 1040 with threonine.
Molecular consequence: missense variant.
Genome position (GRCh38, 1-based): chr7:44,113,902, G>A. VCF-style: chr7-44113902-G-A. GRCh37 (hg19) VCF-style: chr7-44153501-G-A.
Other names: short protein forms A1040T.
Identifiers: ClinVar variation 1693332 (VCV001693332.7), dbSNP rs771161753, ClinGen allele CA4238414.